The following is an entry in ClinVar:

NM_001394998.1(TANC2):c.2500C>T (p.Arg834Cys)

Gene: TANC2 (tetratricopeptide repeat, ankyrin repeat and coiled-coil containing 2; plus strand). Cytogenetic location: 17q23.3.
Variant type: single nucleotide variant.
Coding change: c.2500C>T on transcript NM_001394998.1 (MANE Select); coding-DNA position 2500, C replaced by T.
Protein change: p.Arg834Cys; replaces arginine 834 with cysteine.
Molecular consequence: missense variant.
Genome position (GRCh38, 1-based): chr17:63,355,308, C>T. VCF-style: chr17-63355308-C-T. GRCh37 (hg19) VCF-style: chr17-61432669-C-T.
Other names: c.2278C>T, p.Arg760Cys (NM_025185.4); short protein forms R760C, R834C.
Identifiers: ClinVar variation 982149 (VCV000982149.9), dbSNP rs1282488329, ClinGen allele CA400525423.
Genomic context (GRCh38, chr17:63,355,308, plus strand): 5'-GATTTTCAGCAGAGAATGGAGAACCTCTCCATGTTCCTAATCAAGCGCAGAGACATGACT[C>T]GTATGTTTGTACATCCTTCTTTTCGAGAATGGCTTATCTGGAGAGAAGAAGGAGAGAAAA-3'
Protein context (NP_001381927.1, residues 824-844): MFLIKRRDMT[Arg834Cys]MFVHPSFREW

ClinVar aggregate classification (germline): Uncertain significance. Review status: criteria provided, multiple submitters, no conflicts (2 of 4 stars). 3 submissions from 3 submitters: Uncertain significance (2). 1 of the submissions does not count toward it. Last evaluated 2022-02-02.

Conditions:
Intellectual disability. Also called: Intellectual functioning disability; intellectual disabilities; Intellectual developmental disorder. Identifiers: MedGen C3714756, MeSH D008607, MONDO:0001071, HP:0001249.
Inborn genetic diseases. Identifiers: MedGen C0950123, MeSH D030342.
Intellectual developmental disorder with autistic features and language delay, with or without seizures. Identifiers: MedGen C5394447, MONDO:0030051, OMIM 618906.

Allele frequency attached by ClinVar (database versions not stated): gnomAD exomes below 0.00001 and 0.00001; gnomAD 0.00001; TOPMed 0.00001.

Submissions (3):

Victorian Clinical Genetics Services, Murdoch Childrens Research Institute
Classification: Uncertain significance for Intellectual developmental disorder with autistic features and language delay, with or without seizures. Last evaluated: 2022-02-02. Review status: criteria provided, single submitter. Criteria: ACMG Guidelines, 2015. Collection method: clinical testing. Allele origin: germline. Inheritance: Autosomal dominant inheritance. Affected: yes.
Comment: Based on the classification scheme VCGS_Germline_v1.3.4, this variant is classified as VUS-3A. Following criteria are met: 0102 - Loss of function is a known mechanism of disease in this gene and is associated with Intellectual developmental disorder with autistic features and language delay, with or without seizures (MIM#618906). (I) 0107 - This gene is associated with autosomal dominant disease. (I) 0200 - Variant is predicted to result in a missense amino acid change from arginine to cysteine. (I) 0251 - This variant is heterozygous. (I) 0302 - Variant is present in gnomAD (v2) <0.001 for a dominant (1 heterozygote, 0 homozygotes). (I) 0309 - An alternative amino acid change at the same position has been observed in gnomAD (v2) (5 heterozygotes, 0 homozygotes). (I) 0501 - Missense variant consistently predicted to be damaging by multiple in silico tools or highly conserved with a major amino acid change. (SP) 0600 - Variant is located in the annotated ATPase regulatory domain. This residue is in the catalytic pocket of this domain and its substitution to a cysteine is suspected to affect the domain's function (PMID: 28754924). (I) 0705 - No comparable missense variants have previous evidence for pathogenicity. (I) 0803 - This variant has limited previous evidence of pathogenicity in unrelated individuals. This variant has been observed as de novo in one individual with severe intellectual disability, and has also been classified as a VUS by a clinical laboratory in ClinVar (PMID: 23033978). (SP) 0905 - No published segregation evidence has been identified for this variant. (I) 1002 - This variant has moderate functional evidence supporting abnormal protein function. Western blot studies in HEK cells and immunofluorescence experiments in rat hippocampal neurons have shown this variant strongly reduced binding of TANC2 to KIF1A and also impairs the recruitment of KIF1A-transported vesicles in neurons (PMID: 30021165). (SP) 1208 - Inheritance information for this variant is not currently available in this individual. (I) Legend: (SP) - Supporting pathogenic, (I) - Information, (SB) - Supporting benign

Ambry Genetics
Classification: Uncertain significance for Inborn genetic diseases. Last evaluated: 2020-05-28. Review status: criteria provided, single submitter. Criteria: Ambry Variant Classification Scheme 2023. Collection method: clinical testing. Allele origin: germline.
Comment: The alteration results in an amino acid change:_x000D_ _x000D_ The c.2278C>T (p.R760C) alteration is located in coding exon 12 of the TANC2 gene. This alteration results from a C to T substitution at nucleotide position 2278, causing the arginine (R) at amino acid position 760 to be replaced by a cysteine (C). The alteration is rare in population databases: _x000D_ _x000D_ Based on data from the Genome Aggregation Database (gnomAD), the c.2278C>T alteration was observed in 0.0004% (1/246232) of total alleles studied. The alteration has been observed in affected individuals:_x000D_ _x000D_ The c.2278C>T (p.R760C) alteration has been observed to occur de novo in a patient with developmental delay, intellectual disability, autism, febrile seizures, behavioral problems, and some facial dysmorphisms (de Ligt, 2012; Guo, 2019). The altered amino acid is conserved throughout evolution:_x000D_ _x000D_ The p.R760 amino acid is conserved in available vertebrate species. The alteration is predicted inconclusive by in silico modeling:_x000D_ _x000D_ The in silico prediction for the p.R760C alteration is inconclusive. Based on insufficient or conflicting evidence, the clinical significance of this alteration remains unclear.

University of Washington Center for Mendelian Genomics, University of Washington
Classification: Uncertain significance for Intellectual disability. Review status: no assertion criteria provided. Collection method: research. Allele origin: de novo. Affected: yes. Not counted in ClinVar's aggregate classification.

Literature cited by the submitters: PubMed 23033978 (cited by Victorian Clinical Genetics Services, Murdoch Childrens Research Institute and Ambry Genetics); PubMed 28754924 (cited by Victorian Clinical Genetics Services, Murdoch Childrens Research Institute); PubMed 30021165 (cited by Victorian Clinical Genetics Services, Murdoch Childrens Research Institute); PubMed 31616000 (cited by Ambry Genetics and University of Washington Center for Mendelian Genomics, University of Washington).